The following is an entry in ClinVar:

NM_001039141.3(TRIOBP):c.5867C>T (p.Pro1956Leu)

Gene: TRIOBP (TRIO and F-actin binding protein; plus strand). Cytogenetic location: 22q13.1.
Variant type: single nucleotide variant.
Coding change: c.5867C>T on transcript NM_001039141.3 (MANE Select); coding-DNA position 5867, C replaced by T.
Protein change: p.Pro1956Leu; replaces proline 1956 with leucine.
Molecular consequence: missense variant.
Genome position (GRCh38, 1-based): chr22:37,757,792, C>T. VCF-style: chr22-37757792-C-T. GRCh37 (hg19) VCF-style: chr22-38153799-C-T.
Other names: c.728C>T, p.Pro243Leu (NM_007032.5, NM_138632.2); short protein forms P1956L, P243L.
Identifiers: ClinVar variation 1254361 (VCV001254361.16), dbSNP rs756017020, ClinGen allele CA10224833.

ClinVar aggregate classification (germline): Conflicting classifications of pathogenicity. Review status: criteria provided, conflicting classifications (1 of 4 stars). 3 submissions from 3 submitters: Uncertain significance (1); Likely benign (1). 1 of the submissions does not count toward it. Last evaluated 2025-11-08.

Conditions:
TRIOBP-related disorder. Also called: TRIOBP-related condition.

Allele frequency attached by ClinVar (database versions not stated): gnomAD 0.00007 and 0.00008; gnomAD exomes 0.00008 and 0.00044; ExAC 0.00013; TOPMed 0.00022; 1000 Genomes Project 30x 0.00031.
gnomAD v4.1: 121 of 1,547,834 alleles (0.0078%); highest among the groups gnomAD compares: Admixed American, 0.17%; no homozygotes.

Submissions (3):

GeneDx
Classification: Uncertain significance. Last evaluated: 2025-11-08. Review status: criteria provided, single submitter. Criteria: GeneDx Variant Classification Process June 2021. Collection method: clinical testing. Allele origin: germline. Affected: yes.
Comment: Reported in a patient with sensorineural hearing loss in published literature (PMID: 40069133); In silico analysis supports that this missense variant has a deleterious effect on protein structure/function; This variant is associated with the following publications: (PMID: 40069133)

Labcorp Genetics (formerly Invitae), Labcorp
Classification: Likely benign. Last evaluated: 2025-09-11. Review status: criteria provided, single submitter. Criteria: Invitae Variant Classification Sherloc (09022015). Collection method: clinical testing. Allele origin: germline.

PreventionGenetics, part of Exact Sciences
Classification: Likely benign for TRIOBP-related condition. Last evaluated: 2024-04-03. Review status: no assertion criteria provided. Collection method: clinical testing. Allele origin: germline. Not counted in ClinVar's aggregate classification.
Comment: This variant is classified as likely benign based on ACMG/AMP sequence variant interpretation guidelines (Richards et al. 2015 PMID: 25741868, with internal and published modifications).